The following is an entry in ClinVar:

ClinVar aggregate classification (germline): Conflicting classifications of pathogenicity. Review status: criteria provided, conflicting classifications (1 of 4 stars). 3 submissions from 3 submitters: Uncertain significance (1); Likely benign (1). 1 of the submissions does not count toward it. Last evaluated 2026-01-08.

Conditions:
Malignant tumor of breast. Also called: Malignant breast neoplasm; Cancer breast. Identifiers: MedGen C0006142, MONDO:0007254. Disease mechanism: loss of function.
Familial cancer of breast. Also called: hereditary breast carcinoma; BREAST CANCER, FAMILIAL; Hereditary breast cancer. Identifiers: Orphanet 227535, MedGen C0346153, MONDO:0016419, OMIM 114480. Disease mechanism: loss of function.

Allele frequency attached by ClinVar (database versions not stated): gnomAD exomes below 0.00001 and 0.00001; ExAC 0.00002; TOPMed 0.00002.
gnomAD v4.1: 3 of 1,608,322 alleles (0.00019%); highest among the groups gnomAD compares: Non-Finnish European, 0.00026%; no homozygotes.

Submissions (3):

Labcorp Genetics (formerly Invitae), Labcorp
Classification: Likely benign for Familial cancer of breast. Last evaluated: 2026-01-08. Review status: criteria provided, single submitter. Criteria: Invitae Variant Classification Sherloc (09022015). Collection method: clinical testing. Allele origin: germline.

Institute for Clinical Genetics, University Hospital TU Dresden, University Hospital TU Dresden
Classification: Uncertain significance. Last evaluated: 2021-11-03. Review status: criteria provided, single submitter. Criteria: ACMG Guidelines, 2015. Collection method: clinical testing. Allele origin: germline.

Department of Pathology and Laboratory Medicine, Sinai Health System
Classification: Uncertain significance for Malignant tumor of breast. Review status: no assertion criteria provided. Collection method: clinical testing. Allele origin: unknown. Affected: yes. Study: The Canadian Open Genetics Repository (COGR). Not counted in ClinVar's aggregate classification.
Comment: The BARD1 c.1904-10T>G variant was identified in 1 of 2594 proband chromosomes (frequency: 0.0004) from individuals or families with early onset breast cancer (Young 2016). The variant was also identified in dbSNP (ID: rs768259863) database. The variant was not identified in ClinVar, Cosmic, or the Zhejiang University database. The variant was identified in control databases in 1 of 245930 chromosomes at a frequency of 0.000004 (Genome Aggregation Database Feb 27, 2017), specifically in the European population in 1 of 111466 chromosomes (freq: 0.000009), while the variant was not observed in the African, Other, Latino, Ashkenazi Jewish, East Asian, Finnish, or South Asian populations. The c.1904-10T>G variant is located in the 3' splice region but does not affect the invariant -1 and -2 positions. However, positions -3 and -5 to -12 are part of the splicing consensus sequence and variants involving these positions sometimes affect splicing. In addition, 3 of 4 in silico or computational prediction software programs (SpliceSiteFinder, MaxEntScan, NNSPLICE, GeneSplicer) predict a greater than 10% difference in splicing. In summary, based on the above information, the clinical significance of this variant cannot be determined with certainty at this time. This variant is classified as a variant of uncertain significance.

NM_000465.4(BARD1):c.1904-10T>G

Gene: BARD1 (BRCA1 associated RING domain 1; minus strand). Cytogenetic location: 2q35.
Variant type: single nucleotide variant.
Coding change: c.1904-10T>G on transcript NM_000465.4 (MANE Select); 10 bases into the intron before coding-DNA position 1904, T replaced by G.
Molecular consequence: intron variant.
Genome position (GRCh38, 1-based): chr2:214,730,518, A>C on the plus strand (T>G on the coding strand, the complement: BARD1 is on the minus strand). VCF-style: chr2-214730518-A-C. GRCh37 (hg19) VCF-style: chr2-215595242-A-C.
Other names: c.494-10T>G (NM_001282548.2); c.1847-10T>G (NM_001282543.2); c.551-10T>G (NM_001282545.2); c.365-10T>G (NM_001282549.2).
Identifiers: ClinVar variation 842648 (VCV000842648.13), dbSNP rs768259863, ClinGen allele CA2090119.
Genomic context (GRCh38, chr2:214,730,518, plus strand): 5'-CATACTTTTCTTCCTGTTCACATACTTTTCTTCGTAGACATGCTTTTACCCCTGACAAAA[A>C]CACAAGAATTAAAGCAAACTAAGTATCAAGTGAGCACTATATCTCTCTCATTAAAATCAA-3'